The following is an entry in ClinVar:

ClinVar aggregate classification (germline): Uncertain significance (1 of 4 stars; one submission).

Allele frequency attached by ClinVar (database versions not stated): gnomAD 0.00001; TOPMed 0.00001; ExAC 0.00002; 1000 Genomes Project 30x 0.00016; 1000 Genomes Project 0.00020.
gnomAD v4.1: 7 of 1,614,032 alleles (0.00043%); highest among the groups gnomAD compares: Admixed American, 0.005%; no homozygotes.

Submission:

Labcorp Genetics (formerly Invitae), Labcorp
Classification: Uncertain significance. Last evaluated: 2024-07-29. Review status: criteria provided, single submitter. Criteria: Invitae Variant Classification Sherloc (09022015). Collection method: clinical testing. Allele origin: germline.
Comment: This sequence change falls in intron 30 of the MYH3 gene. It does not directly change the encoded amino acid sequence of the MYH3 protein. It affects a nucleotide within the consensus splice site. This variant is present in population databases (rs554570802, gnomAD 0.007%). This variant has not been reported in the literature in individuals affected with MYH3-related conditions. Variants that disrupt the consensus splice site are a relatively common cause of aberrant splicing (PMID: 17576681, 9536098). Algorithms developed to predict the effect of sequence changes on RNA splicing suggest that this variant may disrupt the consensus splice site. In summary, the available evidence is currently insufficient to determine the role of this variant in disease. Therefore, it has been classified as a Variant of Uncertain Significance.

Literature cited by the submitters: PubMed 17576681; PubMed 9536098.

NM_002470.4(MYH3):c.4172+5G>A

Gene: MYH3 (myosin heavy chain 3; minus strand). Cytogenetic location: 17p13.1.
Variant type: single nucleotide variant.
Coding change: c.4172+5G>A on transcript NM_002470.4 (MANE Select); 5 bases into the intron after coding-DNA position 4172, G replaced by A.
Molecular consequence: intron variant.
Genome position (GRCh38, 1-based): chr17:10,635,362, C>T on the plus strand (G>A on the coding strand, the complement: MYH3 is on the minus strand). VCF-style: chr17-10635362-C-T. GRCh37 (hg19) VCF-style: chr17-10538679-C-T.
Identifiers: ClinVar variation 2900838 (VCV002900838.3), dbSNP rs554570802, ClinGen allele CA8392298.